The following is an entry in ClinVar:

NM_001065.4(TNFRSF1A):c.315C>G (p.Cys105Trp)

Gene: TNFRSF1A (TNF receptor superfamily member 1A; minus strand). Cytogenetic location: 12p13.31.
Variant type: single nucleotide variant.
Coding change: c.315C>G on transcript NM_001065.4 (MANE Select); coding-DNA position 315, C replaced by G.
Protein change: p.Cys105Trp; replaces cysteine 105 with tryptophan.
Molecular consequence: missense variant. On other transcripts: 5 prime UTR variant (2), non-coding transcript variant (1).
Genome position (GRCh38, 1-based): chr12:6,333,744, G>C on the plus strand (C>G on the coding strand, the complement: TNFRSF1A is on the minus strand). VCF-style: chr12-6333744-G-C. GRCh37 (hg19) VCF-style: chr12-6442910-G-C.
Other names: c.-10C>G (NM_001346091.2); c.-263C>G (NM_001346092.2); short protein forms C105W.
Identifiers: ClinVar variation 572270 (VCV000572270.10), dbSNP rs1565468122, ClinGen allele CA383550379.
Genomic context (GRCh38, chr12:6,333,744, plus strand): 5'-GCACCCACACACCACTCAAGACCCGCCTGACTCTCCTGCCTGTGCACACTCACCCTTTCG[G>C]CATTTGGAGCAGCTGAGGCAGTGTCTGAGGTGGTTTTCTGAAGCGGTGAAGGAGCCGCTC-3'
Protein context (NP_001056.1, residues 95-115): HLRHCLSCSK[Cys105Trp]RKEMGQVEIS

ClinVar aggregate classification (germline): Uncertain significance (1 of 4 stars; one submission).

Conditions:
TNF receptor-associated periodic fever syndrome (TRAPS) (FPF). Also called: Autosomal Dominant Familial Periodic Fever; TNF receptor 1-associated periodic fever syndrome; FAMILIAL HIBERNIAN FEVER; TNF RECEPTOR-ASSOCIATED PERIODIC SYNDROME; TUMOR NECROSIS FACTOR RECEPTOR-ASSOCIATED PERIODIC SYNDROME; TNF Receptor-Associated Periodic Fever Syndrome. Identifiers: Orphanet 32960, MedGen C1275126, MONDO:0007727, OMIM 142680.

Submission:

Labcorp Genetics (formerly Invitae), Labcorp
Classification: Uncertain significance for TNF receptor-associated periodic fever syndrome (TRAPS). Last evaluated: 2019-06-27. Review status: criteria provided, single submitter. Criteria: Invitae Variant Classification Sherloc (09022015). Collection method: clinical testing. Allele origin: germline.
Comment: This variant is not present in population databases (ExAC no frequency). In summary, the available evidence is currently insufficient to determine the role of this variant in disease. Therefore, it has been classified as a Variant of Uncertain Significance. Algorithms developed to predict the effect of missense changes on protein structure and function (SIFT, PolyPhen-2, Align-GVGD) all suggest that this variant is likely to be disruptive, but these predictions have not been confirmed by published functional studies and their clinical significance is uncertain. This variant has not been reported in the literature in individuals with TNFRSF1A-related disease. This sequence change replaces cysteine with tryptophan at codon 105 of the TNFRSF1A protein (p.Cys105Trp). The cysteine residue is highly conserved and there is a large physicochemical difference between cysteine and tryptophan.